The following is an entry in ClinVar:

ClinVar aggregate classification (germline): Uncertain significance. Review status: criteria provided, multiple submitters, no conflicts (2 of 4 stars). 2 submissions from 2 submitters: Uncertain significance (2). Last evaluated 2024-12-07.

Allele frequency attached by ClinVar (database versions not stated): gnomAD exomes below 0.00001.
gnomAD v4.1: 1 of 1,613,996 alleles (0.000062%); highest among the groups gnomAD compares: Non-Finnish European, 0.000085%; no homozygotes.

Submissions (2):

GeneDx
Classification: Uncertain significance. Last evaluated: 2024-12-07. Review status: criteria provided, single submitter. Criteria: GeneDx Variant Classification Process June 2021. Collection method: clinical testing. Allele origin: germline. Affected: yes.
Comment: Not observed at significant frequency in large population cohorts (gnomAD); In silico analysis supports that this missense variant has a deleterious effect on protein structure/function; Has not been previously published as pathogenic or benign to our knowledge

Labcorp Genetics (formerly Invitae), Labcorp
Classification: Uncertain significance. Last evaluated: 2024-10-27. Review status: criteria provided, single submitter. Criteria: Invitae Variant Classification Sherloc (09022015). Collection method: clinical testing. Allele origin: germline.
Comment: This sequence change replaces glutamic acid, which is acidic and polar, with lysine, which is basic and polar, at codon 82 of the CAMK2B protein (p.Glu82Lys). This variant is not present in population databases (gnomAD no frequency). This variant has not been reported in the literature in individuals affected with CAMK2B-related conditions. ClinVar contains an entry for this variant (Variation ID: 1308576). An algorithm developed to predict the effect of missense changes on protein structure and function (PolyPhen-2) suggests that this variant is likely to be disruptive. In summary, the available evidence is currently insufficient to determine the role of this variant in disease. Therefore, it has been classified as a Variant of Uncertain Significance.

NM_001220.5(CAMK2B):c.244G>A (p.Glu82Lys)

Gene: CAMK2B (calcium/calmodulin dependent protein kinase II beta; minus strand). Cytogenetic location: 7p13.
Variant type: single nucleotide variant.
Coding change: c.244G>A on transcript NM_001220.5 (MANE Select); coding-DNA position 244, G replaced by A.
Protein change: p.Glu82Lys; replaces glutamic acid 82 with lysine.
Molecular consequence: missense variant.
Genome position (GRCh38, 1-based): chr7:44,258,903, C>T on the plus strand (G>A on the coding strand, the complement: CAMK2B is on the minus strand). VCF-style: chr7-44258903-C-T. GRCh37 (hg19) VCF-style: chr7-44298502-C-T.
Other names: c.244G>A, p.Glu82Lys (NM_001293170.2, NM_172078.3, NM_172079.3 and 5 more transcripts); short protein forms E82K.
Identifiers: ClinVar variation 1308576 (VCV001308576.5), dbSNP rs2129026896, ClinGen allele CA367371990.